The following is an entry in ClinVar:

NM_058216.3(RAD51C):c.905-20A>G

Gene: RAD51C (RAD51 paralog C; plus strand). Cytogenetic location: 17q22.
Variant type: single nucleotide variant.
Coding change: c.905-20A>G on transcript NM_058216.3 (MANE Select); 20 bases into the intron before coding-DNA position 905, A replaced by G.
Molecular consequence: intron variant.
Genome position (GRCh38, 1-based): chr17:58,724,020, A>G. VCF-style: chr17-58724020-A-G. GRCh37 (hg19) VCF-style: chr17-56801381-A-G.
Other names: c.905-20A>G (LRG_314t1).
Identifiers: ClinVar variation 508893 (VCV000508893.14), dbSNP rs950351911, ClinGen allele CA292069093.

ClinVar aggregate classification (germline): Conflicting classifications of pathogenicity. Review status: criteria provided, conflicting classifications (1 of 4 stars). 6 submissions from 6 submitters: Uncertain significance (1); Likely benign (5). Last evaluated 2025-12-17.

Conditions:
Fanconi anemia complementation group O. Also called: RAD51C-Related Fanconi Anemia. Identifiers: Orphanet 84, MedGen C3150653, MONDO:0013248, OMIM 613390.
Breast-ovarian cancer, familial, susceptibility to, 3. Also called: RAD51C-Related Breast/Ovarian Cancer. Identifiers: Orphanet 145, MedGen C3150659, MONDO:0013253, OMIM 613399.
Hereditary cancer-predisposing syndrome. Also called: Hereditary Cancer Syndrome; Tumor predisposition; Neoplastic Syndromes, Hereditary; Hereditary neoplastic syndrome. Identifiers: Orphanet 140162, MedGen C0027672, MeSH D009386, MONDO:0015356.

Allele frequency attached by ClinVar (database versions not stated): gnomAD exomes below 0.00001; TOPMed below 0.00001.
gnomAD v4.1: 1 of 1,597,248 alleles (0.000063%); highest among the groups gnomAD compares: Non-Finnish European, 0.000086%; no homozygotes.

Submissions (6):

Labcorp Genetics (formerly Invitae), Labcorp
Classification: Likely benign for Fanconi anemia complementation group O. Last evaluated: 2025-12-17. Review status: criteria provided, single submitter. Criteria: Invitae Variant Classification Sherloc (09022015). Collection method: clinical testing. Allele origin: germline.

Myriad Genetics, Inc.
Classification: Likely benign for Breast-ovarian cancer, familial, susceptibility to, 3. Last evaluated: 2025-02-19. Review status: criteria provided, single submitter. Criteria: Myriad Autosomal Dominant, Autosomal Recessive and X-Linked Classification Criteria (2023). Collection method: clinical testing. Allele origin: unknown.
Comment: This variant is considered likely benign. This variant is intronic and is not expected to impact mRNA splicing.

Fulgent Genetics
Classification: Likely benign for Fanconi anemia complementation group O; Breast-ovarian cancer, familial, susceptibility to, 3. Last evaluated: 2022-04-13. Review status: criteria provided, single submitter. Criteria: ACMG Guidelines, 2015. Collection method: clinical testing. Allele origin: unknown.

Color Diagnostics, LLC DBA Color Health
Classification: Likely benign for Hereditary cancer-predisposing syndrome. Last evaluated: 2019-06-04. Review status: criteria provided, single submitter. Criteria: ACMG Guidelines, 2015. Collection method: clinical testing. Allele origin: germline.

GeneDx
Classification: Likely benign. Last evaluated: 2017-04-12. Review status: criteria provided, single submitter. Criteria: GeneDx Variant Classification (06012015). Collection method: clinical testing. Allele origin: germline. Affected: yes.
Comment: This variant is considered likely benign or benign based on one or more of the following criteria: it is a conservative change, it occurs at a poorly conserved position in the protein, it is predicted to be benign by multiple in silico algorithms, and/or has population frequency not consistent with disease.

Ambry Genetics
Classification: Uncertain significance for Hereditary cancer-predisposing syndrome. Last evaluated: 2015-12-06. Review status: criteria provided, single submitter. Criteria: Ambry Variant Classification Scheme 2023. Collection method: clinical testing. Allele origin: germline.
Comment: The c.905-20A>G intronic alteration consists of a A to G substitution 20 nucleotides before coding exon 7 in the RAD51C gene. Based on insufficient or conflicting evidence, the clinical significance of this alteration remains unclear.